The following is an entry in ClinVar:

ClinVar aggregate classification (germline): Conflicting classifications of pathogenicity. Review status: criteria provided, conflicting classifications (1 of 4 stars). 12 submissions from 12 submitters: Uncertain significance (2); Likely benign (7). 3 of the submissions do not count toward it. Last evaluated 2026-07-01.

Conditions:
Familial thoracic aortic aneurysm and aortic dissection (TAAD). Also called: Thoracic aortic aneurysms and dissections. Identifiers: Orphanet 91387, MedGen C4707243, MONDO:0019625.
PLOD1-related disorder. Also called: PLOD1-related condition.
Ehlers-Danlos syndrome (EDS). Identifiers: Orphanet 98249, MedGen C0013720, MONDO:0020066.
Ehlers-Danlos syndrome, kyphoscoliotic type 1 (EDSKSCL1). Also called: Ehlers-Danlos syndrome, hydroxylysine-deficient; PLOD1-Related Kyphoscoliotic Ehlers-Danlos Syndrome; EHLERS-DANLOS SYNDROME, TYPE VIA; EHLERS-DANLOS SYNDROME, OCULAR-SCOLIOTIC TYPE. Identifiers: Orphanet 1900, MedGen C0268342, MONDO:0016002, OMIM 225400. Disease mechanism: loss of function.

Allele frequency attached by ClinVar (database versions not stated): gnomAD exomes 0.00029 and 0.00033; TOPMed 0.00029; ExAC 0.00030; gnomAD 0.00033 and 0.00034; ESP Exome Variant Server 0.00069.
gnomAD v4.1: 561 of 1,613,652 alleles (0.035%); highest among the groups gnomAD compares: Middle Eastern, 0.049%; 1 homozygote.

Submissions (12):

CeGaT Center for Human Genetics Tuebingen
Classification: Likely benign. Last evaluated: 2026-07-01. Review status: criteria provided, single submitter. Criteria: CeGaT Center For Human Genetics Tuebingen Variant Classification Criteria Version 2. Collection method: clinical testing. Allele origin: germline. Affected: yes. Observed: 2 variant alleles.
Comment: PLOD1: BP4

Labcorp Genetics (formerly Invitae), Labcorp
Classification: Likely benign for Ehlers-Danlos syndrome, kyphoscoliotic type 1. Last evaluated: 2026-01-24. Review status: criteria provided, single submitter. Criteria: Invitae Variant Classification Sherloc (09022015). Collection method: clinical testing. Allele origin: germline.

Women's Health and Genetics/Laboratory Corporation of America, LabCorp
Classification: Likely benign. Last evaluated: 2025-04-02. Review status: criteria provided, single submitter. Criteria: LabCorp Variant Classification Summary - May 2015. Collection method: clinical testing. Allele origin: germline.

Blueprint Genetics
Classification: Likely benign. Last evaluated: 2024-09-11. Review status: criteria provided, single submitter. Criteria: ACMG Guidelines, 2015. Collection method: clinical testing. Allele origin: germline.

ARUP Laboratories, Molecular Genetics and Genomics, ARUP Laboratories
Classification: Likely benign for Ehlers-Danlos syndrome, kyphoscoliotic type 1. Last evaluated: 2024-08-30. Review status: criteria provided, single submitter. Criteria: ARUP Molecular Germline Variant Investigation Process 2024. Collection method: clinical testing. Allele origin: germline.

Genome Diagnostics Laboratory, The Hospital for Sick Children
Classification: Uncertain significance for Ehlers-Danlos syndrome. Last evaluated: 2019-03-14. Review status: criteria provided, single submitter. Criteria: ACMG Guidelines, 2015. Collection method: clinical testing. Allele origin: germline.

Illumina Laboratory Services, Illumina
Classification: Uncertain significance for Ehlers-Danlos syndrome, kyphoscoliotic type 1. Last evaluated: 2018-01-12. Review status: criteria provided, single submitter. Criteria: ICSL Variant Classification Criteria 13 December 2019. Collection method: clinical testing. Allele origin: germline.

GeneDx
Classification: Likely benign. Last evaluated: 2017-12-27. Review status: criteria provided, single submitter. Criteria: GeneDx Variant Classification (06012015). Collection method: clinical testing. Allele origin: germline. Affected: yes.
Comment: This variant is considered likely benign or benign based on one or more of the following criteria: it is a conservative change, it occurs at a poorly conserved position in the protein, it is predicted to be benign by multiple in silico algorithms, and/or has population frequency not consistent with disease.

Ambry Genetics
Classification: Likely benign for Familial thoracic aortic aneurysm and aortic dissection. Last evaluated: 2016-02-24. Review status: criteria provided, single submitter. Criteria: Ambry Variant Classification Scheme 2023. Collection method: clinical testing. Allele origin: germline.

PreventionGenetics, part of Exact Sciences
Classification: Likely benign for PLOD1-related condition. Last evaluated: 2019-12-06. Review status: no assertion criteria provided. Collection method: clinical testing. Allele origin: germline. Not counted in ClinVar's aggregate classification.
Comment: This variant is classified as likely benign based on ACMG/AMP sequence variant interpretation guidelines (Richards et al. 2015 PMID: 25741868, with internal and published modifications).

Clinical Genetics DNA and cytogenetics Diagnostics Lab, Erasmus MC, Erasmus Medical Center
Classification: Likely benign. Review status: no assertion criteria provided. Collection method: clinical testing. Allele origin: germline. Affected: yes. Study: VKGL Data-share Consensus. Not counted in ClinVar's aggregate classification.

Genome Diagnostics Laboratory, Amsterdam University Medical Center
Classification: Likely benign. Review status: no assertion criteria provided. Collection method: clinical testing. Allele origin: germline. Affected: yes. Study: VKGL Data-share Consensus. Not counted in ClinVar's aggregate classification.

NM_000302.4(PLOD1):c.1428G>A (p.Lys476=)

Gene: PLOD1 (procollagen-lysine,2-oxoglutarate 5-dioxygenase 1; plus strand). Cytogenetic location: 1p36.22.
Variant type: single nucleotide variant.
Coding change: c.1428G>A on transcript NM_000302.4 (MANE Select); coding-DNA position 1428, G replaced by A.
Protein change: p.Lys476=; no amino-acid change (lysine 476 retained).
Molecular consequence: synonymous variant.
Genome position (GRCh38, 1-based): chr1:11,964,743, G>A. VCF-style: chr1-11964743-G-A. GRCh37 (hg19) VCF-style: chr1-12024800-G-A.
Other names: c.1569G>A, p.Lys523= (NM_001316320.2).
Identifiers: ClinVar variation 292295 (VCV000292295.53), dbSNP rs139869965, ClinGen allele CA598385.
Genomic context (GRCh38, chr1:11,964,743, plus strand): 5'-GATCAAGGGCAGTGCCCTGCGGGGTGAGCTGCAGTCCTCAGATCTCTTCCACCACAGCAA[G>A]CTGGACCCCGACATGGCCTTCTGTGCCAACATCCGGCAGCAGGTCAGCCAGGAGCGGGCA-3'
Protein context (NP_000293.2, residues 466-486): LQSSDLFHHS[Lys476=]LDPDMAFCAN